The following is an entry in ClinVar:

ClinVar aggregate classification (germline): Uncertain significance. Review status: criteria provided, multiple submitters, no conflicts (2 of 4 stars). 2 submissions from 2 submitters: Uncertain significance (2). Last evaluated 2026-08-24.

Conditions:
Cardiovascular phenotype. Identifiers: MedGen CN230736.
Desmin-related myofibrillar myopathy (MFM1). Also called: MYOFIBRILLAR MYOPATHY WITH ARRHYTHMOGENIC RIGHT VENTRICULAR CARDIOMYOPATHY; DESMIN-RELATED MYOPATHY WITH ARRHYTHMOGENIC RIGHT VENTRICULAR CARDIOMYOPATHY; Myofibrillar myopathy 1; Desminopathy; Desmin related myopathy (former name); Desmin storage myopathy (former name). Identifiers: Orphanet 363543, Orphanet 98909, MedGen C1832370, MONDO:0011076, OMIM 601419.

Allele frequency attached by ClinVar (database versions not stated): gnomAD exomes below 0.00001; TOPMed 0.00002.

Submissions (2):

Ambry Genetics
Classification: Uncertain significance for Cardiovascular phenotype. Last evaluated: 2026-08-24. Review status: criteria provided, single submitter. Criteria: Ambry Variant Classification Scheme 2023. Collection method: clinical testing. Allele origin: germline.
Comment: The p.T77I variant (also known as c.230C>T), located in coding exon 1 of the DES gene, results from a C to T substitution at nucleotide position 230. The threonine at codon 77 is replaced by isoleucine, an amino acid with similar properties. This variant was reported in individual(s) with sudden unexplained death (Lin Y et al. Circ Cardiovasc Genet, 2017 Dec;10:). This amino acid position is not well conserved in available vertebrate species. In addition, this alteration is predicted to be tolerated by in silico analysis. Based on the available evidence, the clinical significance of this variant remains unclear.

Labcorp Genetics (formerly Invitae), Labcorp
Classification: Uncertain significance for Desmin-related myofibrillar myopathy. Last evaluated: 2024-05-06. Review status: criteria provided, single submitter. Criteria: Invitae Variant Classification Sherloc (09022015). Collection method: clinical testing. Allele origin: germline.
Comment: This sequence change replaces threonine, which is neutral and polar, with isoleucine, which is neutral and non-polar, at codon 77 of the DES protein (p.Thr77Ile). This variant is not present in population databases (gnomAD no frequency). This missense change has been observed in individual(s) with sudden unexplained death (PMID: 29247119). ClinVar contains an entry for this variant (Variation ID: 1447427). Advanced modeling of protein sequence and biophysical properties (such as structural, functional, and spatial information, amino acid conservation, physicochemical variation, residue mobility, and thermodynamic stability) has been performed at Invitae for this missense variant, however the output from this modeling did not meet the statistical confidence thresholds required to predict the impact of this variant on DES protein function. In summary, the available evidence is currently insufficient to determine the role of this variant in disease. Therefore, it has been classified as a Variant of Uncertain Significance.

Literature cited by the submitters: PubMed 29247119 (cited by Ambry Genetics and Labcorp Genetics (formerly Invitae), Labcorp).

NM_001927.4(DES):c.230C>T (p.Thr77Ile)

Gene: DES (desmin; plus strand). Cytogenetic location: 2q35.
Variant type: single nucleotide variant.
Coding change: c.230C>T on transcript NM_001927.4 (MANE Select); coding-DNA position 230, C replaced by T.
Protein change: p.Thr77Ile; replaces threonine 77 with isoleucine.
Molecular consequence: missense variant.
Genome position (GRCh38, 1-based): chr2:219,418,692, C>T. VCF-style: chr2-219418692-C-T. GRCh37 (hg19) VCF-style: chr2-220283414-C-T.
Other names: c.230C>T, p.Thr77Ile (NM_001382708.1, NM_001382709.1, NM_001382710.1 and 3 more transcripts); c.230C>T (NM_001927.3); short protein forms T77I.
Identifiers: ClinVar variation 1447427 (VCV001447427.6), dbSNP rs1392710887, ClinGen allele CA350684245.